The following is an entry in ClinVar:

ClinVar aggregate classification (germline): Uncertain significance. Review status: criteria provided, multiple submitters, no conflicts (2 of 4 stars). 2 submissions from 2 submitters: Uncertain significance (2). Last evaluated 2025-05-30.

Conditions:
Hereditary cancer-predisposing syndrome. Also called: Neoplastic Syndromes, Hereditary; Hereditary Cancer Syndrome; Tumor predisposition; Hereditary neoplastic syndrome. Identifiers: Orphanet 140162, MedGen C0027672, MeSH D009386, MONDO:0015356.
Neuroblastoma, susceptibility to, 3. Also called: ALK-Related Neuroblastic Tumor Susceptibility. Identifiers: Orphanet 635, MedGen C2751681, MONDO:0013083, OMIM 613014.

gnomAD v4.1: 2 of 1,614,066 alleles (0.00012%); highest among the groups gnomAD compares: Non-Finnish European, 0.00017%; no homozygotes.

Submissions (2):

Labcorp Genetics (formerly Invitae), Labcorp
Classification: Uncertain significance for Neuroblastoma, susceptibility to, 3. Last evaluated: 2025-05-30. Review status: criteria provided, single submitter. Criteria: Invitae Variant Classification Sherloc (09022015). Collection method: clinical testing. Allele origin: germline.
Comment: This sequence change replaces glutamic acid, which is acidic and polar, with lysine, which is basic and polar, at codon 1132 of the ALK protein (p.Glu1132Lys). This variant is not present in population databases (gnomAD no frequency). This variant has not been reported in the literature in individuals affected with ALK-related conditions. ClinVar contains an entry for this variant (Variation ID: 1692783). An algorithm developed to predict the effect of missense changes on protein structure and function (PolyPhen-2) suggests that this variant is likely to be disruptive. In summary, the available evidence is currently insufficient to determine the role of this variant in disease. Therefore, it has been classified as a Variant of Uncertain Significance.

Sema4
Classification: Uncertain significance for Hereditary cancer-predisposing syndrome. Last evaluated: 2022-02-11. Review status: criteria provided, single submitter. Criteria: Sema4 Curation Guidelines. Collection method: curation. Allele origin: germline.
Comment: To the best of our knowledge, the ALK c.3394G>A (p.E1132K) variant has not been reported in individuals with ALK-related disease. It was not observed in the large and broad cohorts of the Genome Aggregation Database (PMID: 32461654). This variant has not been reported in ClinVar. In silico tools suggest the impact of the variant on protein function is deleterious, though these predictions have not been confirmed by functional studies. The evidence is insufficient to meet ACMG/AMP criteria for classifying the variant as benign or pathogenic. Thus, the clinical significance of this variant is currently uncertain.

NM_004304.5(ALK):c.3394G>A (p.Glu1132Lys)

Gene: ALK (ALK receptor tyrosine kinase; minus strand). Cytogenetic location: 2p23.2.
Variant type: single nucleotide variant.
Coding change: c.3394G>A on transcript NM_004304.5 (MANE Select); coding-DNA position 3394, G replaced by A.
Protein change: p.Glu1132Lys; replaces glutamic acid 1132 with lysine.
Molecular consequence: missense variant.
Genome position (GRCh38, 1-based): chr2:29,222,573, C>T on the plus strand (G>A on the coding strand, the complement: ALK is on the minus strand). VCF-style: chr2-29222573-C-T. GRCh37 (hg19) VCF-style: chr2-29445439-C-T.
Other names: c.190G>A, p.Glu64Lys (NM_001353765.2); short protein forms E1132K, E64K.
Identifiers: ClinVar variation 1692783 (VCV001692783.2), dbSNP rs2148169318, ClinGen allele CA346464027.